The following is an entry in ClinVar:

NM_002474.3(MYH11):c.5219A>G (p.Gln1740Arg)

Genes: NDE1 (nudE neurodevelopment protein 1; plus strand), MYH11 (myosin heavy chain 11; minus strand). Cytogenetic location: 16p13.11.
Variant type: single nucleotide variant.
Coding change: c.5219A>G on transcript NM_002474.3 (MANE Select); coding-DNA position 5219, A replaced by G.
Protein change: p.Gln1740Arg; replaces glutamine 1740 with arginine.
Molecular consequence: missense variant. On other transcripts: intron variant (2).
Genome position (GRCh38, 1-based): chr16:15,718,391, T>C on the plus strand (A>G on the coding strand, the complement: MYH11 is on the minus strand). VCF-style: chr16-15718391-T-C. GRCh37 (hg19) VCF-style: chr16-15812248-T-C.
Other names: c.5219A>G, p.Gln1740Arg (NM_022844.3); c.948-5800T>C (NM_001143979.2, NM_017668.3); c.5240A>G, p.Gln1747Arg (NM_001040113.2, NM_001040114.2); short protein forms Q1740R, Q1747R.
Identifiers: ClinVar variation 1746142 (VCV001746142.4), dbSNP rs2506094986, ClinGen allele CA394850198.

ClinVar aggregate classification (germline): Uncertain significance. Review status: criteria provided, multiple submitters, no conflicts (2 of 4 stars). 3 submissions from 3 submitters: Uncertain significance (3). Last evaluated 2024-09-03.

Conditions:
Familial thoracic aortic aneurysm and aortic dissection (TAAD). Also called: Thoracic aortic aneurysms and dissections. Identifiers: Orphanet 91387, MedGen C4707243, MONDO:0019625.

gnomAD v4.1: 2 of 1,601,354 alleles (0.00012%); no homozygotes.

Submissions (3):

Color Diagnostics, LLC DBA Color Health
Classification: Uncertain significance for Familial thoracic aortic aneurysm and aortic dissection. Last evaluated: 2024-09-03. Review status: criteria provided, single submitter. Criteria: ACMG Guidelines, 2015. Collection method: clinical testing. Allele origin: germline.
Comment: This missense variant replaces glutamine with arginine at codon 1747 of the MYH11 protein. Computational prediction suggests that this variant may have deleterious impact on protein structure and function (internally defined REVEL score threshold >= 0.7, PMID: 27666373). To our knowledge, functional studies have not been reported for this variant. This variant has not been reported in individuals affected with MYH11-related disorders in the literature. This variant has not been identified in the general population by the Genome Aggregation Database (gnomAD). The available evidence is insufficient to determine the role of this variant in disease conclusively. Therefore, this variant is classified as a Variant of Uncertain Significance.

All of Us Research Program, National Institutes of Health
Classification: Uncertain significance for Familial thoracic aortic aneurysm and aortic dissection. Last evaluated: 2023-04-03. Review status: criteria provided, single submitter. Criteria: ACMG Guidelines, 2015. Collection method: clinical testing. Allele origin: germline. Inheritance: Autosomal dominant inheritance. Observed: 1 variant allele, 1 heterozygote.
Comment: This missense variant replaces glutamine with arginine at codon 1747 of the MYH11 protein. Computational prediction suggests that this variant may have deleterious impact on protein structure and function (internally defined REVEL score threshold >= 0.7, PMID: 27666373). To our knowledge, functional studies have not been reported for this variant. This variant has not been reported in individuals affected with MYH11-related disorders in the literature. This variant has not been identified in the general population by the Genome Aggregation Database (gnomAD). The available evidence is insufficient to determine the role of this variant in disease conclusively. Therefore, this variant is classified as a Variant of Uncertain Significance.

This study involves interpretation of variants in research participants for the purpose of population health screening. Participant phenotype was not available at the time of variant classification. Additional details can be found in publication PMID: 35346344, PMCID: PMC8962531

Ambry Genetics
Classification: Uncertain significance for Familial thoracic aortic aneurysm and aortic dissection. Last evaluated: 2021-10-13. Review status: criteria provided, single submitter. Criteria: Ambry Variant Classification Scheme 2023. Collection method: clinical testing. Allele origin: germline.
Comment: The p.Q1740R variant (also known as c.5219A>G), located in coding exon 36 of the MYH11 gene, results from an A to G substitution at nucleotide position 5219. The glutamine at codon 1740 is replaced by arginine, an amino acid with highly similar properties. This amino acid position is conserved. In addition, the in silico prediction for this alteration is inconclusive. Since supporting evidence is limited at this time, the clinical significance of this alteration remains unclear.